The following is an entry in ClinVar:

ClinVar aggregate classification (germline): Conflicting classifications of pathogenicity. Review status: criteria provided, conflicting classifications (1 of 4 stars). 4 submissions from 4 submitters: Uncertain significance (1); Benign (1); Likely benign (2). Last evaluated 2025-12-03.

Conditions:
Breast-ovarian cancer, familial, susceptibility to, 2 (BROVCA2). Also called: BRCA2 Hereditary Breast and Ovarian Cancer. Identifiers: Orphanet 145, MedGen C2675520, MONDO:0012933, OMIM 612555. Disease mechanism: loss of function.
Hereditary breast ovarian cancer syndrome. Also called: Hereditary breast and/or ovarian cancer syndrome; Hereditary breast and ovarian cancer syndrome (HBOC); Breast and ovarian cancer; Hereditary breast and ovarian cancer; BRCA1- and BRCA2-Associated Hereditary Breast and Ovarian Cancer; Hereditary breast and ovarian cancer syndrome. Identifiers: Orphanet 145, MedGen C0677776, MeSH D061325, MONDO:0003582. Disease mechanism: loss of function.

Allele frequency attached by ClinVar (database versions not stated): TOPMed below 0.00001; gnomAD 0.00001.

Submissions (4):

Labcorp Genetics (formerly Invitae), Labcorp
Classification: Likely benign for Hereditary breast ovarian cancer syndrome. Last evaluated: 2025-12-03. Review status: criteria provided, single submitter. Criteria: Invitae Variant Classification Sherloc (09022015). Collection method: clinical testing. Allele origin: germline.

Mendelics
Classification: Benign for Breast-ovarian cancer, familial, susceptibility to, 2. Last evaluated: 2019-05-28. Review status: criteria provided, single submitter. Criteria: Mendelics Assertion Criteria 2017. Collection method: clinical testing. Allele origin: unknown.

GeneDx
Classification: Likely benign. Last evaluated: 2017-11-24. Review status: criteria provided, single submitter. Criteria: GeneDx Variant Classification (06012015). Collection method: clinical testing. Allele origin: germline. Affected: yes.
Comment: This variant is considered likely benign or benign based on one or more of the following criteria: it is a conservative change, it occurs at a poorly conserved position in the protein, it is predicted to be benign by multiple in silico algorithms, and/or has population frequency not consistent with disease.

Molecular Genetics Laboratory, University of Michigan
Classification: Uncertain significance for Breast-ovarian cancer, familial, susceptibility to, 2. Last evaluated: 2014-11-03. Review status: criteria provided, single submitter. Criteria: ACMG Guidelines, 2015. Collection method: clinical testing. Allele origin: germline. Affected: yes.

NM_000059.4(BRCA2):c.7618-19G>T

Gene: BRCA2 (BRCA2 DNA repair associated; plus strand). Cytogenetic location: 13q13.1.
Variant type: single nucleotide variant.
Coding change: c.7618-19G>T on transcript NM_000059.4 (MANE Select); 19 bases into the intron before coding-DNA position 7618, G replaced by T.
Molecular consequence: intron variant.
Genome position (GRCh38, 1-based): chr13:32,357,723, G>T. VCF-style: chr13-32357723-G-T. GRCh37 (hg19) VCF-style: chr13-32931860-G-T.
Identifiers: ClinVar variation 225719 (VCV000225719.13), dbSNP rs371417084, ClinGen allele CA10576072.